The following is an entry in ClinVar:

NM_000552.5(VWF):c.5312-19A>C

Gene: VWF (von Willebrand factor; minus strand). Cytogenetic location: 12p13.31.
Variant type: single nucleotide variant.
Coding change: c.5312-19A>C on transcript NM_000552.5 (MANE Select); 19 bases into the intron before coding-DNA position 5312, A replaced by C.
Molecular consequence: intron variant.
Genome position (GRCh38, 1-based): chr12:6,016,251, T>G on the plus strand (A>C on the coding strand, the complement: VWF is on the minus strand). VCF-style: chr12-6016251-T-G. GRCh37 (hg19) VCF-style: chr12-6125417-T-G.
Identifiers: ClinVar variation 806794 (VCV000806794.47), dbSNP rs200237834, ClinGen allele CA6402297.
Genomic context (GRCh38, chr12:6,016,251, plus strand): 5'-TTTCTGAAGTCAAGTATCGCACAGCAAAGCCCAAGGCATCCCCTGAGGATGGAGAACAGA[T>G]CACGCCAAGTCAGTACTGACTGCGGCTCGACACCCTGTCTTAACGGTGGATCCTTAAGTC-3'

ClinVar aggregate classification (germline): Likely benign. Review status: criteria provided, multiple submitters, no conflicts (2 of 4 stars). 4 submissions from 4 submitters: Likely benign (4). Last evaluated 2026-06-05.

Allele frequency attached by ClinVar (database versions not stated): 1000 Genomes Project 0.00040; 1000 Genomes Project 30x 0.00062; TOPMed 0.00085; ESP Exome Variant Server 0.00092; gnomAD 0.00092 and 0.00098; gnomAD exomes 0.00099; ExAC 0.00101.
gnomAD v4.1: 2,068 of 1,614,182 alleles (0.13%); highest among the groups gnomAD compares: Non-Finnish European, 0.16%; 4 homozygotes.

Submissions (4):

Women's Health and Genetics/Laboratory Corporation of America, LabCorp
Classification: Likely benign. Last evaluated: 2026-06-05. Review status: criteria provided, single submitter. Criteria: LabCorp Variant Classification Summary - May 2015. Collection method: clinical testing. Allele origin: germline.
Comment: Variant summary: VWF c.5312-19A>C alters a nucleotide located at a position not widely known to affect splicing. Consensus agreement among computation tools predict no significant impact on normal splicing. However, these predictions have yet to be confirmed by functional studies. The variant allele was found at a frequency of 0.00099 in 251456 control chromosomes, predominantly at a frequency of 0.0015 within the Non-Finnish European subpopulation in the gnomAD database. This frequency is not significantly higher than estimated for disease-causing variants in VWF, allowing no conclusion about variant significance. c.5312-19A>C has been observed in individual(s) affected with VWF-related conditions. These report(s) do not provide unequivocal conclusions about association of the variant with disease. To our knowledge, no experimental evidence demonstrating an impact on protein function has been reported. ClinVar contains an entry for this variant (Variation ID: 806794). Based on the evidence outlined above, the variant was classified as likely benign.

ARUP Laboratories, Molecular Genetics and Genomics, ARUP Laboratories
Classification: Likely benign. Last evaluated: 2025-04-28. Review status: criteria provided, single submitter. Criteria: ARUP Molecular Germline Variant Investigation Process 2024. Collection method: clinical testing. Allele origin: germline.

Blueprint Genetics
Classification: Likely benign. Last evaluated: 2024-09-16. Review status: criteria provided, single submitter. Criteria: ACMG Guidelines, 2015. Collection method: clinical testing. Allele origin: germline.

CeGaT Center for Human Genetics Tuebingen
Classification: Likely benign. Last evaluated: 2024-03-01. Review status: criteria provided, single submitter. Criteria: CeGaT Center For Human Genetics Tuebingen Variant Classification Criteria Version 2. Collection method: clinical testing. Allele origin: germline. Affected: yes. Observed: 1 variant allele.
Comment: VWF: BS3:Supporting

Literature cited by the submitters: PubMed 12649144 (cited by Women's Health and Genetics/Laboratory Corporation of America, LabCorp).